The following is an entry in ClinVar:

ClinVar aggregate classification (germline): Uncertain significance (1 of 4 stars; one submission).

Conditions:
Tuberous sclerosis syndrome (TSC). Also called: Tuberous Sclerosis Complex; Tuberous sclerosis. Identifiers: Orphanet 805, MedGen C0041341, MONDO:0001734.

Submission:

Color Diagnostics, LLC DBA Color Health
Classification: Uncertain significance for Tuberous sclerosis syndrome. Last evaluated: 2025-07-11. Review status: criteria provided, single submitter. Criteria: ACMG Guidelines, 2015. Collection method: clinical testing. Allele origin: germline.
Comment: This missense variant replaces aspartic acid with histidine at codon 162 of the TSC2 protein. Computational prediction suggests that this variant may not impact protein structure and function. To our knowledge, functional studies have not been reported for this variant. This variant has not been reported in individuals affected with TSC2-related disorders in the literature. This variant has not been identified in the general population by the Genome Aggregation Database (gnomAD). The available evidence is insufficient to determine the role of this variant in disease conclusively. Therefore, this variant is classified as a Variant of Uncertain Significance.

NM_000548.5(TSC2):c.484G>C (p.Asp162His)

Gene: TSC2 (TSC complex subunit 2; plus strand). Cytogenetic location: 16p13.3.
Variant type: single nucleotide variant.
Coding change: c.484G>C on transcript NM_000548.5 (MANE Select); coding-DNA position 484, G replaced by C.
Protein change: p.Asp162His; replaces aspartic acid 162 with histidine.
Molecular consequence: missense variant. On other transcripts: 5 prime UTR variant (13), non-coding transcript variant (5), intron variant (7).
Genome position (GRCh38, 1-based): chr16:2,055,404, G>C. VCF-style: chr16-2055404-G-C. GRCh37 (hg19) VCF-style: chr16-2105405-G-C.
Other names: c.484G>C, p.Asp162His (NM_001077183.3, NM_001114382.3, NM_001363528.2 and 8 more transcripts); c.373G>C, p.Asp125His (NM_001318827.2, NM_001406678.1, NM_001406670.1); c.337G>C, p.Asp113His (NM_001318829.2, NM_001406679.1, NM_001406675.1 and 1 more transcripts); c.517G>C, p.Asp173His (NM_001318832.2); c.-333G>C (NM_001406680.1, NM_001406683.1, NM_001406687.1); c.-948G>C (NM_001406689.1, NM_001406690.1, NM_001406691.1 and 2 more transcripts); c.-1164G>C (NM_001406693.1); c.-829G>C (NM_001406694.1, NM_001406695.1); and 6 more; short protein forms D113H, D125H, D143H, D162H, D173H, D192H.
Identifiers: ClinVar variation 4757613 (VCV004757613.1).